The following is an entry in ClinVar:

ClinVar aggregate classification (germline): Uncertain significance (1 of 4 stars; one submission).

Conditions:
Autosomal recessive polycystic kidney disease (ARPKD). Also called: AR polycystic kidney disease. Identifiers: Orphanet 731, Orphanet 8378, MedGen C0085548, MeSH D017044, MONDO:0009889.

Allele frequency attached by ClinVar (database versions not stated): gnomAD exomes below 0.00001; ExAC 0.00001.
gnomAD v4.1: 5 of 1,613,678 alleles (0.00031%); highest among the groups gnomAD compares: Non-Finnish European, 0.00042%; no homozygotes.

Submission:

Labcorp Genetics (formerly Invitae), Labcorp
Classification: Uncertain significance for Autosomal recessive polycystic kidney disease. Last evaluated: 2025-12-01. Review status: criteria provided, single submitter. Criteria: Invitae Variant Classification Sherloc (09022015). Collection method: clinical testing. Allele origin: germline.
Comment: This sequence change replaces glycine, which is neutral and non-polar, with alanine, which is neutral and non-polar, at codon 3752 of the PKHD1 protein (p.Gly3752Ala). This variant is present in population databases (rs766816600, gnomAD 0.0009%). This variant has not been reported in the literature in individuals affected with PKHD1-related conditions. ClinVar contains an entry for this variant (Variation ID: 1982947). Invitae Evidence Modeling of protein sequence and biophysical properties (such as structural, functional, and spatial information, amino acid conservation, physicochemical variation, residue mobility, and thermodynamic stability) indicates that this missense variant is expected to disrupt PKHD1 protein function with a positive predictive value of 80%. In summary, the available evidence is currently insufficient to determine the role of this variant in disease. Therefore, it has been classified as a Variant of Uncertain Significance.

NM_138694.4(PKHD1):c.11255G>C (p.Gly3752Ala)

Gene: PKHD1 (PKHD1 ciliary IPT domain containing fibrocystin/polyductin; minus strand). Cytogenetic location: 6p12.3.
Variant type: single nucleotide variant.
Coding change: c.11255G>C on transcript NM_138694.4 (MANE Select); coding-DNA position 11255, G replaced by C.
Protein change: p.Gly3752Ala; replaces glycine 3752 with alanine.
Molecular consequence: missense variant.
Genome position (GRCh38, 1-based): chr6:51,649,140, C>G on the plus strand (G>C on the coding strand, the complement: PKHD1 is on the minus strand). VCF-style: chr6-51649140-C-G. GRCh37 (hg19) VCF-style: chr6-51513938-C-G.
Other names: short protein forms G3752A.
Identifiers: ClinVar variation 1982947 (VCV001982947.4), dbSNP rs766816600, ClinGen allele CA3850919.
Genomic context (GRCh38, chr6:51,649,140, plus strand): 5'-GTTACCTGCTCATCCAAAAATACCAATTGTGGCTGCACTGGAAGCTCATTTCCCACTTCT[C>G]CATCTGAAGGCTGGACTAGGATGGAAAGTGCATAGGGCCGAATATATATCAAGTTCCCAG-3'
Protein context (NP_619639.3, residues 3742-3762): ALSILVQPSD[Gly3752Ala]EVGNELPVQP